The following is an entry in ClinVar:

NM_021729.6(VPS11):c.2708G>A (p.Gly903Asp)

Gene: VPS11 (VPS11 core subunit of CORVET and HOPS complexes; plus strand). Cytogenetic location: 11q23.3.
Variant type: single nucleotide variant.
Coding change: c.2708G>A on transcript NM_021729.6 (MANE Select); coding-DNA position 2708, G replaced by A.
Protein change: p.Gly903Asp; replaces glycine 903 with aspartic acid.
Molecular consequence: missense variant. On other transcripts: non-coding transcript variant (8).
Genome position (GRCh38, 1-based): chr11:119,081,505, G>A. VCF-style: chr11-119081505-G-A. GRCh37 (hg19) VCF-style: chr11-118952215-G-A.
Other names: c.2678G>A, p.Gly893Asp (NM_001290185.2); c.2720G>A, p.Gly907Asp (NM_001378218.1, NM_001378219.1); c.2693G>A, p.Gly898Asp (NM_001378220.1); c.2690G>A, p.Gly897Asp (NM_001378221.1); short protein forms G893D, G897D, G898D, G903D, G907D.
Identifiers: ClinVar variation 3233695 (VCV003233695.2), dbSNP rs1432534559, ClinGen allele CA382981345.

ClinVar aggregate classification (germline): Likely benign (1 of 4 stars; one submission).

Allele frequency attached by ClinVar (database versions not stated): TOPMed below 0.00001.
gnomAD v4.1: 1 of 1,613,970 alleles (0.000062%); highest among the groups gnomAD compares: Non-Finnish European, 0.000085%; no homozygotes.

Submission:

Women's Health and Genetics/Laboratory Corporation of America, LabCorp
Classification: Likely benign. Last evaluated: 2024-03-01. Review status: criteria provided, single submitter. Criteria: LabCorp Variant Classification Summary - May 2015. Collection method: clinical testing. Allele origin: germline.
Comment: Variant summary: VPS11 c.2708G>A (p.Arg903Lys) results in a conservative amino acid change in the encoded protein sequence. Two of three in-silico tools predict a benign effect of the variant on protein function. The variant allele was found at a frequency of 0.00045 in 1614024 control chromosomes, predominantly at a frequency of 0.016 within the East Asian subpopulation in the gnomAD database (v4.0.0), including 9 homozygotes suggesting a benign role for the variant. To our knowledge, no occurrence of c.2708G>A in individuals affected with Hypomyelinating Leukodystrophy 12 and no experimental evidence demonstrating its impact on protein function have been reported. ClinVar contains an entry for this variant (Variation ID: 739507). Based on the evidence outlined above, the variant was classified as likely benign.